The following is an entry in ClinVar:

ClinVar aggregate classification (germline): Likely benign. Review status: criteria provided, multiple submitters, no conflicts (2 of 4 stars). 3 submissions from 3 submitters: Likely benign (3). Last evaluated 2026-03-01.

Conditions:
Inborn genetic diseases. Identifiers: MedGen C0950123, MeSH D030342.

Allele frequency attached by ClinVar (database versions not stated): gnomAD 0.00001; gnomAD exomes 0.00002.
gnomAD v4.1: 38 of 1,614,028 alleles (0.0024%); highest among the groups gnomAD compares: African/African-American, 0.0027%; no homozygotes.

Submissions (3):

CeGaT Center for Human Genetics Tuebingen
Classification: Likely benign. Last evaluated: 2026-03-01. Review status: criteria provided, single submitter. Criteria: CeGaT Center For Human Genetics Tuebingen Variant Classification Criteria Version 2. Collection method: clinical testing. Allele origin: germline. Affected: yes. Observed: 2 variant alleles.
Comment: COQ6: BP4, BP7

Ambry Genetics
Classification: Likely benign for Inborn genetic diseases. Last evaluated: 2024-12-03. Review status: criteria provided, single submitter. Criteria: Ambry Variant Classification Scheme 2023. Collection method: clinical testing. Allele origin: germline.

Labcorp Genetics (formerly Invitae), Labcorp
Classification: Likely benign. Last evaluated: 2023-04-25. Review status: criteria provided, single submitter. Criteria: Invitae Variant Classification Sherloc (09022015). Collection method: clinical testing. Allele origin: germline.

NM_182476.3(COQ6):c.1002C>T (p.Ser334=)

Genes: COQ6 (coenzyme Q6, monooxygenase; plus strand), ENTPD5 (ectonucleoside triphosphate diphosphohydrolase 5; minus strand). Cytogenetic location: 14q24.3.
Variant type: single nucleotide variant.
Coding change: c.1002C>T on transcript NM_182476.3 (MANE Select); coding-DNA position 1002, C replaced by T.
Protein change: p.Ser334=; no amino-acid change (serine 334 retained).
Molecular consequence: synonymous variant. On other transcripts: intron variant (5), 3 prime UTR variant (1).
Genome position (GRCh38, 1-based): chr14:73,961,283, C>T. VCF-style: chr14-73961283-C-T. GRCh37 (hg19) VCF-style: chr14-74427986-C-T.
Other names: c.1201-5455G>A (NM_001382262.1); c.1201-1730G>A (NM_001382260.1, NM_001382259.1, NM_001330189.2); c.1002C>T, p.Ser334= (NM_001425255.1); c.894C>T, p.Ser298= (NM_001425256.1); c.837C>T, p.Ser279= (NM_001425257.1); c.819C>T, p.Ser273= (NM_001425258.1); c.777C>T, p.Ser259= (NM_001425259.1, NM_001425260.1, NM_001425261.1); c.747C>T, p.Ser249= (NM_001425262.1); and 5 more.
Identifiers: ClinVar variation 1591624 (VCV001591624.69), dbSNP rs1457232470, ClinGen allele CA487264589.